The following is an entry in ClinVar:

NC_000003.12:g.169764840C>G

Genes: TERC (telomerase RNA component; minus strand), LOC110806306 (telomerase RNA component (TERC) promoter; plus strand). Cytogenetic location: 3q26.2.
Variant type: single nucleotide variant.
Genome position: GRCh38 VCF-style: chr3-169764840-C-G. GRCh37 (hg19) VCF-style: chr3-169482628-C-G.
Identifiers: ClinVar variation 2913623 (VCV002913623.3), dbSNP rs2108183088, ClinGen allele CA436715368.

ClinVar aggregate classification (germline): Uncertain significance (1 of 4 stars; one submission).

Conditions:
Dyskeratosis congenita, autosomal dominant 1 (DKCA1). Also called: Dyskeratosis congenita Scoggins type. Identifiers: Orphanet 1775, MedGen C4551974, MONDO:0007485, OMIM 127550. Inheritance: Variable.

Submission:

Labcorp Genetics (formerly Invitae), Labcorp
Classification: Uncertain significance for Dyskeratosis congenita, autosomal dominant 1. Last evaluated: 2023-06-02. Review status: criteria provided, single submitter. Criteria: Invitae Variant Classification Sherloc (09022015). Collection method: clinical testing. Allele origin: germline.
Comment: This variant occurs in the TERC gene, which encodes an RNA molecule that does not result in a protein product. This variant is not present in population databases (gnomAD no frequency). This variant has not been reported in the literature in individuals affected with TERC-related conditions. Experimental studies and prediction algorithms are not available or were not evaluated, and the functional significance of this variant is currently unknown. This variant is located within the BoxH/ACA scaRNA domain of the TERC RNA component, which is required for telomerase activity (PMID: 21844345). In summary, the available evidence is currently insufficient to determine the role of this variant in disease. Therefore, it has been classified as a Variant of Uncertain Significance.

Literature cited by the submitters: PubMed 21844345.